The following is an entry in ClinVar:

ClinVar aggregate classification (germline): Uncertain significance (1 of 4 stars; one submission).

Conditions:
Cardiovascular phenotype. Identifiers: MedGen CN230736.

Allele frequency attached by ClinVar (database versions not stated): gnomAD exomes below 0.00001; gnomAD 0.00001; TOPMed 0.00001.
gnomAD v4.1: 2 of 1,587,568 alleles (0.00013%); highest among the groups gnomAD compares: East Asian, 0.0022%; no homozygotes.

Submission:

Ambry Genetics
Classification: Uncertain significance for Cardiovascular phenotype. Last evaluated: 2022-06-02. Review status: criteria provided, single submitter. Criteria: Ambry Variant Classification Scheme 2023. Collection method: clinical testing. Allele origin: germline.
Comment: The p.Q605E variant (also known as c.1813C>G), located in coding exon 4 of the JPH2 gene, results from a C to G substitution at nucleotide position 1813. The glutamine at codon 605 is replaced by glutamic acid, an amino acid with highly similar properties. This amino acid position is conserved. In addition, this alteration is predicted to be tolerated by in silico analysis. Since supporting evidence is limited at this time, the clinical significance of this alteration remains unclear.

NM_020433.5(JPH2):c.1813C>G (p.Gln605Glu)

Gene: JPH2 (junctophilin 2; minus strand). Cytogenetic location: 20q13.12.
Variant type: single nucleotide variant.
Coding change: c.1813C>G on transcript NM_020433.5 (MANE Select); coding-DNA position 1813, C replaced by G.
Protein change: p.Gln605Glu; replaces glutamine 605 with glutamic acid.
Molecular consequence: missense variant.
Genome position (GRCh38, 1-based): chr20:44,115,862, G>C on the plus strand (C>G on the coding strand, the complement: JPH2 is on the minus strand). VCF-style: chr20-44115862-G-C. GRCh37 (hg19) VCF-style: chr20-42744502-G-C.
Other names: short protein forms Q605E.
Identifiers: ClinVar variation 1780625 (VCV001780625.2), dbSNP rs1269508635, ClinGen allele CA409099882.